The following is an entry in ClinVar:

ClinVar aggregate classification (germline): Uncertain significance (1 of 4 stars; one submission).

Conditions:
Usmani-Riazuddin syndrome, autosomal dominant (USRISD). Identifiers: MONDO:0859174, OMIM 619467, MedGen C5561952.

Submission:

3billion
Classification: Uncertain significance for Usmani-Riazuddin syndrome, autosomal dominant. Last evaluated: 2022-09-01. Review status: criteria provided, single submitter. Criteria: ACMG Guidelines, 2015. Collection method: clinical testing. Allele origin: germline. Affected: yes. Observed: 1 heterozygote.
Comment: The variant is not observed in the gnomAD v2.1.1 dataset. Missense changes are a common disease-causing mechanism. Therefore, this variant is classified as uncertain significance according to the recommendation of ACMG/AMP guideline.

NM_001128.6(AP1G1):c.98C>T (p.Ala33Val)

Gene: AP1G1 (adaptor related protein complex 1 subunit gamma 1; minus strand). Cytogenetic location: 16q22.2.
Variant type: single nucleotide variant.
Coding change: c.98C>T on transcript NM_001128.6 (MANE Select); coding-DNA position 98, C replaced by T.
Protein change: p.Ala33Val; replaces alanine 33 with valine.
Molecular consequence: missense variant.
Genome position (GRCh38, 1-based): chr16:71,789,382, G>A on the plus strand (C>T on the coding strand, the complement: AP1G1 is on the minus strand). VCF-style: chr16-71789382-G-A. GRCh37 (hg19) VCF-style: chr16-71823285-G-A.
Other names: c.98C>T, p.Ala33Val (NM_001030007.2); short protein forms A33V.
Identifiers: ClinVar variation 1705521 (VCV001705521.1), dbSNP rs960439219, ClinGen allele CA396673720.